The following is an entry in ClinVar:

ClinVar aggregate classification (germline): Uncertain significance (1 of 4 stars; one submission).

gnomAD v4.1: 6 of 1,614,128 alleles (0.00037%); highest among the groups gnomAD compares: Non-Finnish European, 0.00051%; no homozygotes.

Submission:

Labcorp Genetics (formerly Invitae), Labcorp
Classification: Uncertain significance. Last evaluated: 2024-06-12. Review status: criteria provided, single submitter. Criteria: Invitae Variant Classification Sherloc (09022015). Collection method: clinical testing. Allele origin: germline.
Comment: This sequence change replaces asparagine, which is neutral and polar, with aspartic acid, which is acidic and polar, at codon 1269 of the ERBIN protein (p.Asn1269Asp). This variant is not present in population databases (gnomAD no frequency). This variant has not been reported in the literature in individuals affected with ERBIN-related conditions. An algorithm developed to predict the effect of missense changes on protein structure and function (PolyPhen-2) suggests that this variant is likely to be tolerated. In summary, the available evidence is currently insufficient to determine the role of this variant in disease. Therefore, it has been classified as a Variant of Uncertain Significance.

NM_001253697.2(ERBIN):c.3805A>G (p.Asn1269Asp)

Gene: ERBIN (erbb2 interacting protein; plus strand). Cytogenetic location: 5q12.3.
Variant type: single nucleotide variant.
Coding change: c.3805A>G on transcript NM_001253697.2 (MANE Select); coding-DNA position 3805, A replaced by G.
Protein change: p.Asn1269Asp; replaces asparagine 1269 with aspartic acid.
Molecular consequence: missense variant. On other transcripts: intron variant (1).
Genome position (GRCh38, 1-based): chr5:66,075,072, A>G. VCF-style: chr5-66075072-A-G. GRCh37 (hg19) VCF-style: chr5-65370900-A-G.
Other names: c.3682A>G, p.Asn1228Asp (NM_001253698.2, NM_018695.4); c.3826A>G, p.Asn1276Asp (NM_001253699.2); c.3670A>G, p.Asn1224Asp (NM_001253701.2); c.3634-1244A>G (NM_001006600.3); short protein forms N1224D, N1228D, N1269D, N1276D.
Identifiers: ClinVar variation 3612686 (VCV003612686.2).